The following is an entry in ClinVar:

NM_004036.5(ADCY3):c.2349C>T (p.Val783=)

Gene: ADCY3 (adenylate cyclase 3; minus strand). Cytogenetic location: 2p23.3.
Variant type: single nucleotide variant.
Coding change: c.2349C>T on transcript NM_004036.5 (MANE Select); coding-DNA position 2349, C replaced by T.
Protein change: p.Val783=; no amino-acid change (valine 783 retained).
Molecular consequence: synonymous variant. On other transcripts: intron variant (1).
Genome position (GRCh38, 1-based): chr2:24,827,985, G>A on the plus strand (C>T on the coding strand, the complement: ADCY3 is on the minus strand). VCF-style: chr2-24827985-G-A. GRCh37 (hg19) VCF-style: chr2-25050854-G-A.
Other names: c.2349C>T, p.Val783= (NM_001320613.2, NM_001377132.1); c.2415C>T, p.Val805= (NM_001377128.1); c.2211C>T, p.Val737= (NM_001377129.1); c.1626C>T, p.Val542= (NM_001377131.1); c.2172+2724C>T (NM_001377130.1).
Identifiers: ClinVar variation 4993899 (VCV004993899.1).

ClinVar aggregate classification (germline): Uncertain significance (1 of 4 stars; one submission).

Conditions:
ADCY3-related disorder. Also called: ADCY3-related condition.

gnomAD v4.1: 7 of 1,614,098 alleles (0.00043%); highest among the groups gnomAD compares: East Asian, 0.0022%; no homozygotes.

Submission:

PreventionGenetics, part of Exact Sciences
Classification: Uncertain significance for ADCY3-related condition. Last evaluated: 2026-04-12. Review status: criteria provided, single submitter. Criteria: ACMG Guidelines, 2015. Collection method: clinical testing. Allele origin: germline.
Comment: The ADCY3 c.2349C>T variant is not predicted to result in an amino acid change (p.=). This variant is predicted to alter splicing based on available splicing prediction software (SpliceAI, Jaganathan et al. 2019. PubMed ID: 30661751). However, the use of computer prediction software is not equivalent to functional evidence. To our knowledge, this variant has not been reported in the literature. This variant is reported in one out of ~251.000 alleles in gnomAD. At this time, the clinical significance of this variant is uncertain due to the absence of conclusive functional and genetic evidence.